The following is an entry in ClinVar:

ClinVar aggregate classification (germline): Pathogenic. Review status: criteria provided, multiple submitters, no conflicts (2 of 4 stars). 5 submissions from 5 submitters: Pathogenic (5). Last evaluated 2025-12-04.

Conditions:
CNGB3-related disorder. Also called: CNGB3-related disorders; CNGB3-related condition. Identifiers: MedGen CN239340.
Achromatopsia. Also called: Rod monochromatism. Identifiers: Orphanet 49382, MedGen C0152200, MONDO:0018852, HP:0011516.
Achromatopsia 3 (ACHM3). Also called: PINGELAPESE BLINDNESS; TOTAL COLORBLINDNESS WITH MYOPIA; ROD MONOCHROMACY 1; ROD MONOCHROMATISM 1; ACHROMATOPSIA WITH MYOPIA. Identifiers: Orphanet 49382, MedGen C1849792, MONDO:0009875, OMIM 262300.

Allele frequency attached by ClinVar (database versions not stated): gnomAD exomes below 0.00001.

Submissions (5):

Natera, Inc.
Classification: Pathogenic for Achromatopsia. Last evaluated: 2025-12-04. Review status: criteria provided, single submitter. Criteria: Natera Variant Classification Schema (03/2026). Collection method: clinical testing. Allele origin: germline.
Comment: The c.595delG variant in CNGB3 is a frameshift variant predicted to shift the reading frame beginning at codon 199 and leads to a stop codon 3 codons downstream. This variant is expected to result in nonsense mediated decay, truncation, or a dysfunctional protein product. This variant is rare in the general population with a frequency below the threshold expected for the associated phenotype(s). This variant has been observed in one or more individuals affected with the associated recessive disease, as either homozygous or compound heterozygous with a second variant (PMID: 24148654). Given the available evidence, this variant is classified as Pathogenic.

Blueprint Genetics
Classification: Pathogenic for CNGB3-related disorders. Last evaluated: 2023-11-08. Review status: criteria provided, single submitter. Criteria: ACMG Guidelines, 2015. Collection method: clinical testing. Allele origin: germline. Affected: yes. Observed: 2 variant alleles.

Labcorp Genetics (formerly Invitae), Labcorp
Classification: Pathogenic. Last evaluated: 2023-05-21. Review status: criteria provided, single submitter. Criteria: Invitae Variant Classification Sherloc (09022015). Collection method: clinical testing. Allele origin: germline.
Comment: For these reasons, this variant has been classified as Pathogenic. ClinVar contains an entry for this variant (Variation ID: 847858). This premature translational stop signal has been observed in individual(s) with achromatopsia (PMID: 14757870, 24148654). In at least one individual the data is consistent with being in trans (on the opposite chromosome) from a pathogenic variant. It has also been observed to segregate with disease in related individuals. This variant is not present in population databases (gnomAD no frequency). This sequence change creates a premature translational stop signal (p.Glu199Serfs*3) in the CNGB3 gene. It is expected to result in an absent or disrupted protein product. Loss-of-function variants in CNGB3 are known to be pathogenic (PMID: 28795510).

Fulgent Genetics
Classification: Pathogenic for Achromatopsia 3. Last evaluated: 2022-05-09. Review status: criteria provided, single submitter. Criteria: ACMG Guidelines, 2015. Collection method: clinical testing. Allele origin: unknown.

Victorian Clinical Genetics Services, Murdoch Childrens Research Institute
Classification: Pathogenic for Achromatopsia 3. Last evaluated: 2022-02-02. Review status: criteria provided, single submitter. Criteria: ACMG Guidelines, 2015. Collection method: clinical testing. Allele origin: germline. Inheritance: Autosomal recessive inheritance.
Comment: Based on the classification scheme VCGS_Germline_v1.3.4, this variant is classified as Pathogenic. Following criteria are met: 0103 - Gain of function and loss of function are known mechanisms of disease in this gene and are associated with achromatopsia 3 (MIM#262300) (PMIDs: 16379026, 23805033). (I) 0106 - This gene is associated with autosomal recessive disease. (I) 0201 - Variant is predicted to cause nonsense-mediated decay (NMD) and loss of protein (premature termination codon is located at least 54 nucleotides upstream of the final exon-exon junction). (SP) 0251 - This variant is heterozygous. (I) 0301 - Variant is absent from gnomAD (both v2 and v3). (SP) 0701 - Other null variants comparable to the one identified in this case have very strong previous evidence for pathogenicity. There are multiple NMD-predicted variants that have been reported as pathogenic (DECIPHER). (SP) 0802 - This variant has moderate previous evidence of pathogenicity in unrelated individuals. This variant has been reported in three individuals with achromatopsia and is classified as pathogenic by a clinical diagnostic laboratory (PMIDs: 14757870, 24148654; ClinVar). (SP) 0906 - Segregation evidence for this variant is inconclusive due to insufficient information (PMID: 14757870). (I) 1007 - No published functional evidence has been identified for this variant. (I) 1201 - Heterozygous variant detected in trans with a second pathogenic heterozygous variant (NM_019098.4(CNGB3): c.1148del; p.(Thr383Ilefs*13)) in a recessive disease in a research setting. (I) Legend: (SP) - Supporting pathogenic, (I) - Information, (SB) - Supporting benign

Literature cited by the submitters: PubMed 24148654 (cited by 3 submitters); PubMed 14757870 (cited by Labcorp Genetics (formerly Invitae), Labcorp and Victorian Clinical Genetics Services, Murdoch Childrens Research Institute); PubMed 28795510 (cited by Labcorp Genetics (formerly Invitae), Labcorp); PubMed 16379026 (cited by Victorian Clinical Genetics Services, Murdoch Childrens Research Institute); PubMed 23805033 (cited by Victorian Clinical Genetics Services, Murdoch Childrens Research Institute).

NM_019098.5(CNGB3):c.595del (p.Glu199fs)

Gene: CNGB3 (cyclic nucleotide gated channel subunit beta 3; minus strand). Cytogenetic location: 8q21.3.
Variant type: Deletion.
Coding change: c.595del on transcript NM_019098.5 (MANE Select); coding-DNA position 595, one base deleted (G; older notation c.595delG).
Protein change: p.Glu199fs; shifts the reading frame from glutamic acid 199.
Molecular consequence: frameshift variant.
Genome position (GRCh38, 1-based): chr8:86,668,067, C deleted on the plus strand (G on the coding strand, the reverse complement: CNGB3 is on the minus strand). VCF-style (leftmost placement, unchanged base first): chr8-86668066-TC-T. GRCh37 (hg19) VCF-style: chr8-87680294-TC-T.
Other names: c.595delG (NM_019098.4); short protein forms E199fs.
Identifiers: ClinVar variation 847858 (VCV000847858.13), dbSNP rs1823778696, ClinGen allele CA916083004.